The following is an entry in ClinVar:

ClinVar aggregate classification (germline): Pathogenic (0 of 4 stars; one submission).

Conditions:
Aplastic anemia. Identifiers: Orphanet 182040, Orphanet 88, MedGen C0002874, MONDO:0015909, OMIM 609135, HP:0001915.

Submission:

GeneReviews
Classification: Pathogenic for Dyskeratosis Congenita. Last evaluated: 2012-05-10. Review status: no assertion criteria provided. Collection method: curation. Allele origin: unknown.
ClinVar note: Converted during submission from pathologic to Pathogenic.

NR_001566.3(TERC):n.117A>C

Genes: TERC (telomerase RNA component; minus strand), LOC110806306 (telomerase RNA component (TERC) promoter; plus strand). Cytogenetic location: 3q26.2.
Variant type: single nucleotide variant.
Genome position: GRCh38 VCF-style: chr3-169764944-T-G. GRCh37 (hg19) VCF-style: chr3-169482732-T-G.
Other names: NR_001566.1:r.117a>c(A117C).
Identifiers: ClinVar variation 39281 (VCV000039281.3), dbSNP rs199422273, ClinGen allele CA343753.